The following is an entry in ClinVar:

NM_007348.4(ATF6):c.1249C>A (p.His417Asn)

Gene: ATF6 (activating transcription factor 6; plus strand). Cytogenetic location: 1q23.3.
Variant type: single nucleotide variant.
Coding change: c.1249C>A on transcript NM_007348.4 (MANE Select); coding-DNA position 1249, C replaced by A.
Protein change: p.His417Asn; replaces histidine 417 with asparagine.
Molecular consequence: missense variant.
Genome position (GRCh38, 1-based): chr1:161,846,510, C>A. VCF-style: chr1-161846510-C-A. GRCh37 (hg19) VCF-style: chr1-161816300-C-A.
Other names: short protein forms H417N.
Identifiers: ClinVar variation 959956 (VCV000959956.6), dbSNP rs995465167, ClinGen allele CA31720590.

ClinVar aggregate classification (germline): Uncertain significance (1 of 4 stars; one submission).

Allele frequency attached by ClinVar (database versions not stated): gnomAD 0.00001; TOPMed 0.00001.
gnomAD v4.1: 1 of 1,611,576 alleles (0.000062%); highest among the groups gnomAD compares: Non-Finnish European, 0.000085%; no homozygotes.

Submission:

Labcorp Genetics (formerly Invitae), Labcorp
Classification: Uncertain significance. Last evaluated: 2021-05-04. Review status: criteria provided, single submitter. Criteria: Invitae Variant Classification Sherloc (09022015). Collection method: clinical testing. Allele origin: germline.
Comment: In summary, the available evidence is currently insufficient to determine the role of this variant in disease. Therefore, it has been classified as a Variant of Uncertain Significance. This sequence change replaces histidine with asparagine at codon 417 of the ATF6 protein (p.His417Asn). The histidine residue is highly conserved and there is a small physicochemical difference between histidine and asparagine. This variant is not present in population databases (ExAC no frequency). This variant has not been reported in the literature in individuals with ATF6-related conditions. Algorithms developed to predict the effect of missense changes on protein structure and function (SIFT, PolyPhen-2, Align-GVGD) all suggest that this variant is likely to be tolerated, but these predictions have not been confirmed by published functional studies and their clinical significance is uncertain.